The following is an entry in ClinVar:

ClinVar aggregate classification (germline): Uncertain significance (1 of 4 stars; one submission).

Conditions:
Developmental and epileptic encephalopathy, 30 (DEE30). Also called: Epileptic encephalopathy, early infantile, 30. Identifiers: MedGen C4225360, MONDO:0014595, OMIM 616341.

Submission:

Labcorp Genetics (formerly Invitae), Labcorp
Classification: Uncertain significance for Developmental and epileptic encephalopathy, 30. Last evaluated: 2025-11-03. Review status: criteria provided, single submitter. Criteria: Invitae Variant Classification Sherloc (09022015). Collection method: clinical testing. Allele origin: germline.
Comment: This sequence change falls in intron 11 of the SIK1 gene. It does not directly change the encoded amino acid sequence of the SIK1 protein. It affects a nucleotide within the consensus splice site. This variant is not present in population databases (gnomAD no frequency). This variant has not been reported in the literature in individuals affected with SIK1-related conditions. ClinVar contains an entry for this variant (Variation ID: 2415182). Variants that disrupt the consensus splice site are a relatively common cause of aberrant splicing (PMID: 17576681, 9536098). Algorithms developed to predict the effect of sequence changes on RNA splicing suggest that this variant may create or strengthen a splice site. In summary, the available evidence is currently insufficient to determine the role of this variant in disease. Therefore, it has been classified as a Variant of Uncertain Significance.

Literature cited by the submitters: PubMed 17576681; PubMed 9536098.

NM_173354.5(SIK1):c.1462+4A>G

Gene: SIK1 (salt inducible kinase 1; minus strand). Cytogenetic location: 21q22.3.
Variant type: single nucleotide variant.
Coding change: c.1462+4A>G on transcript NM_173354.5 (MANE Select); 4 bases into the intron after coding-DNA position 1462, A replaced by G.
Molecular consequence: intron variant.
Genome position (GRCh38, 1-based): chr21:43,419,017, T>C on the plus strand (A>G on the coding strand, the complement: SIK1 is on the minus strand). VCF-style: chr21-43419017-T-C. GRCh37 (hg19) VCF-style: chr21-44838897-T-C.
Identifiers: ClinVar variation 2415182 (VCV002415182.8), dbSNP rs1049965287, ClinGen allele CA321325796.